The following is an entry in ClinVar:

ClinVar aggregate classification (germline): Uncertain significance (1 of 4 stars; one submission).

Allele frequency attached by ClinVar (database versions not stated): gnomAD exomes 0.00001; TOPMed 0.00005; gnomAD 0.00014.
gnomAD v4.1: 24 of 1,614,082 alleles (0.0015%); highest among the groups gnomAD compares: Admixed American, 0.04%; no homozygotes.

Submission:

Ambry Genetics
Classification: Uncertain significance. Last evaluated: 2023-11-29. Review status: criteria provided, single submitter. Criteria: Ambry Variant Classification Scheme 2023. Collection method: clinical testing. Allele origin: germline.
Comment: The p.L22S variant (also known as c.65T>C), located in coding exon 1 of the MLH3 gene, results from a T to C substitution at nucleotide position 65. The leucine at codon 22 is replaced by serine, an amino acid with dissimilar properties. This amino acid position is well conserved in available vertebrate species. In addition, the in silico prediction for this alteration is inconclusive. Since supporting evidence is limited at this time, the clinical significance of this alteration remains unclear.

NM_001040108.2(MLH3):c.65T>C (p.Leu22Ser)

Gene: MLH3 (mutL homolog 3; minus strand). Cytogenetic location: 14q24.3.
Variant type: single nucleotide variant.
Coding change: c.65T>C on transcript NM_001040108.2 (MANE Select); coding-DNA position 65, T replaced by C.
Protein change: p.Leu22Ser; replaces leucine 22 with serine.
Molecular consequence: missense variant.
Genome position (GRCh38, 1-based): chr14:75,049,591, A>G on the plus strand (T>C on the coding strand, the complement: MLH3 is on the minus strand). VCF-style: chr14-75049591-A-G. GRCh37 (hg19) VCF-style: chr14-75516294-A-G.
Other names: c.65T>C, p.Leu22Ser (NM_014381.3); short protein forms L22S.
Identifiers: ClinVar variation 1754418 (VCV001754418.2), dbSNP rs1299756121, ClinGen allele CA390451786.